The following is an entry in ClinVar:

NM_138927.4(SON):c.5403A>G (p.Glu1801=)

Gene: SON (SON DNA and RNA binding protein; plus strand). Cytogenetic location: 21q22.11.
Variant type: single nucleotide variant.
Coding change: c.5403A>G on transcript NM_138927.4 (MANE Select); coding-DNA position 5403, A replaced by G.
Protein change: p.Glu1801=; no amino-acid change (glutamic acid 1801 retained).
Molecular consequence: synonymous variant. On other transcripts: non-coding transcript variant (1), intron variant (1).
Genome position (GRCh38, 1-based): chr21:33,554,634, A>G. VCF-style: chr21-33554634-A-G. GRCh37 (hg19) VCF-style: chr21-34926940-A-G.
Other names: c.5403A>G, p.Glu1801= (NM_001412133.1, NM_032195.3, NM_058183.2 and 2 more transcripts); c.245-2522A>G (NM_001291412.3).
Identifiers: ClinVar variation 2652620 (VCV002652620.24), dbSNP rs1267961443, ClinGen allele CA512339094.

ClinVar aggregate classification (germline): Likely benign (1 of 4 stars; one submission).

Allele frequency attached by ClinVar (database versions not stated): TOPMed below 0.00001; gnomAD 0.00001.
gnomAD v4.1: 3 of 1,613,110 alleles (0.00019%); highest among the groups gnomAD compares: East Asian, 0.0045%; no homozygotes.

Submission:

CeGaT Center for Human Genetics Tuebingen
Classification: Likely benign. Last evaluated: 2022-06-01. Review status: criteria provided, single submitter. Criteria: CeGaT Center For Human Genetics Tuebingen Variant Classification Criteria Version 2. Collection method: clinical testing. Allele origin: germline. Affected: yes. Observed: 1 variant allele.
Comment: SON: BP4, BP7